The following is an entry in ClinVar:

NM_001098511.3(KIF2A):c.1119+280T>A

Gene: KIF2A (kinesin family member 2A; plus strand). Cytogenetic location: 5q12.1.
Variant type: single nucleotide variant.
Coding change: c.1119+280T>A on transcript NM_001098511.3 (MANE Select); 280 bases into the intron after coding-DNA position 1119, T replaced by A.
Molecular consequence: intron variant.
Genome position (GRCh38, 1-based): chr5:62,362,821, T>A. VCF-style: chr5-62362821-T-A. GRCh37 (hg19) VCF-style: chr5-61658648-T-A.
Other names: c.1038+280T>A (NM_001243952.2); c.1119+280T>A (NM_004520.5); c.1062+280T>A (NM_001243953.2).
Identifiers: ClinVar variation 668920 (VCV000668920.1), dbSNP rs247271, ClinGen allele CA11970193.

ClinVar aggregate classification (germline): Benign (1 of 4 stars; one submission).

Allele frequency attached by ClinVar (database versions not stated): 1000 Genomes Project 30x 0.21252; 1000 Genomes Project 0.21625; gnomAD 0.24573 and 0.24939; TOPMed 0.24730.
gnomAD v4.1: 37,457 of 152,002 alleles (25%); highest among the groups gnomAD compares: Middle Eastern, 30%; 4,708 homozygotes.

Submission:

GeneDx
Classification: Benign. Last evaluated: 2018-06-19. Review status: criteria provided, single submitter. Criteria: GeneDx Variant Classification (06012015). Collection method: clinical testing. Allele origin: germline. Affected: yes.
Comment: This variant is considered likely benign or benign based on one or more of the following criteria: it is a conservative change, it occurs at a poorly conserved position in the protein, it is predicted to be benign by multiple in silico algorithms, and/or has population frequency not consistent with disease.